The following is an entry in ClinVar:

NM_001845.6(COL4A1):c.859-9A>C

Gene: COL4A1 (collagen type IV alpha 1 chain; minus strand). Cytogenetic location: 13q34.
Variant type: single nucleotide variant.
Coding change: c.859-9A>C on transcript NM_001845.6 (MANE Select); 9 bases into the intron before coding-DNA position 859, A replaced by C.
Molecular consequence: intron variant.
Genome position (GRCh38, 1-based): chr13:110,205,547, T>G on the plus strand (A>C on the coding strand, the complement: COL4A1 is on the minus strand). VCF-style: chr13-110205547-T-G. GRCh37 (hg19) VCF-style: chr13-110857894-T-G.
Other names: c.859-9A>C (NM_001303110.2).
Identifiers: ClinVar variation 4990859 (VCV004990859.1).
Genomic context (GRCh38, chr13:110,205,547, plus strand): 5'-CACTTACGGGACTCCCTTTTTCCCCTTTGTCACCATCTTTTCCGGGTTTGCCCTGTAGAA[T>G]AAAGATGTAAACGTTAGTATTTAATAAATAATAGACTGCGCGCGGTGGCTCATGCCTGTA-3'

ClinVar aggregate classification (germline): Likely benign (1 of 4 stars; one submission).

Conditions:
COL4A1-related disorder. Also called: COL4A1-related condition; COL4A1-related disorders. Identifiers: MedGen CN376119, MONDO:0800461.

Submission:

PreventionGenetics, part of Exact Sciences
Classification: Likely benign for COL4A1-related condition. Last evaluated: 2026-05-13. Review status: criteria provided, single submitter. Criteria: ACMG Guidelines, 2015. Collection method: clinical testing. Allele origin: germline.
Comment: This variant is classified as likely benign based on ACMG/AMP sequence variant interpretation guidelines (Richards et al. 2015 PMID: 25741868, with internal and published modifications).